The following is an entry in ClinVar:

ClinVar aggregate classification (germline): Conflicting classifications of pathogenicity. Review status: criteria provided, conflicting classifications (1 of 4 stars). 4 submissions from 4 submitters: Uncertain significance (3); Likely benign (1). Last evaluated 2026-09-21.

Conditions:
Cardiovascular phenotype. Identifiers: MedGen CN230736.
Progressive familial heart block type IB (PFHB1B). Identifiers: Orphanet 871, MedGen C1970298, MONDO:0011474, OMIM 604559.

Allele frequency attached by ClinVar (database versions not stated): gnomAD exomes 0.00002; TOPMed 0.00007; ExAC 0.00010.
gnomAD v4.1: 41 of 1,554,890 alleles (0.0026%); highest among the groups gnomAD compares: Middle Eastern, 0.1%; 1 homozygote.

Submissions (4):

Molecular Diagnostic Laboratory for Inherited Cardiovascular Disease, Montreal Heart Institute
Classification: Likely benign. Last evaluated: 2026-09-21. Review status: criteria provided, single submitter. Criteria: ACMG Guidelines, 2015. Collection method: clinical testing. Allele origin: germline. Affected: no.
Comment: BS1;BP4

Labcorp Genetics (formerly Invitae), Labcorp
Classification: Uncertain significance for Progressive familial heart block type IB. Last evaluated: 2026-01-11. Review status: criteria provided, single submitter. Criteria: Invitae Variant Classification Sherloc (09022015). Collection method: clinical testing. Allele origin: germline.
Comment: This sequence change replaces glycine, which is neutral and non-polar, with tryptophan, which is neutral and slightly polar, at codon 846 of the TRPM4 protein (p.Gly846Trp). The frequency data for this variant in the population databases is considered unreliable, as metrics indicate poor data quality at this position in the gnomAD database. This variant has not been reported in the literature in individuals affected with TRPM4-related conditions. ClinVar contains an entry for this variant (Variation ID: 329865). An algorithm developed to predict the effect of missense changes on protein structure and function (PolyPhen-2) suggests that this variant is likely to be disruptive. In summary, the available evidence is currently insufficient to determine the role of this variant in disease. Therefore, it has been classified as a Variant of Uncertain Significance.

Ambry Genetics
Classification: Uncertain significance for Cardiovascular phenotype. Last evaluated: 2025-05-28. Review status: criteria provided, single submitter. Criteria: Ambry Variant Classification Scheme 2023. Collection method: clinical testing. Allele origin: germline.

Illumina Laboratory Services, Illumina
Classification: Uncertain significance for Progressive familial heart block type IB. Last evaluated: 2018-01-13. Review status: criteria provided, single submitter. Criteria: ICSL Variant Classification Criteria 13 December 2019. Collection method: clinical testing. Allele origin: germline.

NM_017636.4(TRPM4):c.2536G>T (p.Gly846Trp)

Gene: TRPM4 (transient receptor potential cation channel subfamily M member 4; plus strand). Cytogenetic location: 19q13.33.
Variant type: single nucleotide variant.
Coding change: c.2536G>T on transcript NM_017636.4 (MANE Select); coding-DNA position 2536, G replaced by T.
Protein change: p.Gly846Trp; replaces glycine 846 with tryptophan.
Molecular consequence: missense variant. On other transcripts: intron variant (1).
Genome position (GRCh38, 1-based): chr19:49,196,765, G>T. VCF-style: chr19-49196765-G-T. GRCh37 (hg19) VCF-style: chr19-49700022-G-T.
Other names: c.2191G>T, p.Gly731Trp (NM_001321281.2); c.928G>T, p.Gly310Trp (NM_001321282.2); c.2014G>T, p.Gly672Trp (NM_001321283.2); c.1474G>T, p.Gly492Trp (NM_001321285.2); c.2211-3535G>T (NM_001195227.2); short protein forms G846W, G310W, G492W, G672W, G731W.
Identifiers: ClinVar variation 329865 (VCV000329865.21), dbSNP rs772659037, ClinGen allele CA9569569.
Genomic context (GRCh38, chr19:49,196,765, plus strand): 5'-TGCGAGGAACTGCGCCAGGGCCTGAGCGGAGGCGGGGGCAGCCTCGCCAGCGGGGGCCCC[G>T]GGCCTGGCCATGCCTCACTGAGCCAGCGCCTGCGCCTCTACCTCGCCGACAGCTGGAACC-3'
Protein context (NP_060106.2, residues 836-856): GGGSLASGGP[Gly846Trp]PGHASLSQRL